The following is an entry in ClinVar:

NM_017654.4(SAMD9):c.3724C>A (p.Pro1242Thr)

Gene: SAMD9 (sterile alpha motif domain containing 9; minus strand). Cytogenetic location: 7q21.2.
Variant type: single nucleotide variant.
Coding change: c.3724C>A on transcript NM_017654.4 (MANE Select); coding-DNA position 3724, C replaced by A.
Protein change: p.Pro1242Thr; replaces proline 1242 with threonine.
Molecular consequence: missense variant.
Genome position (GRCh38, 1-based): chr7:93,102,374, G>T on the plus strand (C>A on the coding strand, the complement: SAMD9 is on the minus strand). VCF-style: chr7-93102374-G-T. GRCh37 (hg19) VCF-style: chr7-92731687-G-T.
Other names: c.3724C>A, p.Pro1242Thr (NM_001193307.2); short protein forms P1242T.
Identifiers: ClinVar variation 3677988 (VCV003677988.2).
Genomic context (GRCh38, chr7:93,102,374, plus strand): 5'-ATTTCAATTTAGTTAAATAAGGAATATAGTTTTTGAGGGCTAATTTATATTCATTGTTTG[G>T]ATCCCCTGGAATATCACTACTTCCTGATACAAAATTGACCATATATCTTTTAGATAGCTC-3'
Protein context (NP_060124.2, residues 1232-1252): VSGSSDIPGD[Pro1242Thr]NNEYKLALKN

ClinVar aggregate classification (germline): Uncertain significance (1 of 4 stars; one submission).

Submission:

Labcorp Genetics (formerly Invitae), Labcorp
Classification: Uncertain significance. Last evaluated: 2024-12-12. Review status: criteria provided, single submitter. Criteria: Invitae Variant Classification Sherloc (09022015). Collection method: clinical testing. Allele origin: germline.
Comment: This sequence change replaces proline, which is neutral and non-polar, with threonine, which is neutral and polar, at codon 1242 of the SAMD9 protein (p.Pro1242Thr). This variant is not present in population databases (gnomAD no frequency). This variant has not been reported in the literature in individuals affected with SAMD9-related conditions. Invitae Evidence Modeling of protein sequence and biophysical properties (such as structural, functional, and spatial information, amino acid conservation, physicochemical variation, residue mobility, and thermodynamic stability) indicates that this missense variant is not expected to disrupt SAMD9 protein function with a negative predictive value of 95%. In summary, the available evidence is currently insufficient to determine the role of this variant in disease. Therefore, it has been classified as a Variant of Uncertain Significance.